The following is an entry in ClinVar:

NM_004168.4(SDHA):c.326C>T (p.Ala109Val)

Gene: SDHA (succinate dehydrogenase complex flavoprotein subunit A; plus strand). Cytogenetic location: 5p15.33.
Variant type: single nucleotide variant.
Coding change: c.326C>T on transcript NM_004168.4 (MANE Select); coding-DNA position 326, C replaced by T.
Protein change: p.Ala109Val; replaces alanine 109 with valine.
Molecular consequence: missense variant. On other transcripts: intron variant (1).
Genome position (GRCh38, 1-based): chr5:225,432, C>T. VCF-style: chr5-225432-C-T. GRCh37 (hg19) VCF-style: chr5-225547-C-T.
Other names: c.326C>T, p.Ala109Val (NM_001330758.2); c.313-451C>T (NM_001294332.2); short protein forms A109V.
Identifiers: ClinVar variation 4783222 (VCV004783222.1).
Genomic context (GRCh38, chr5:225,432, plus strand): 5'-GTTGGCGCTCCTGTTTGTGGCTTGTAAGGAGTGGTTGGTGTTTCCAGGGAGGAATCAATG[C>T]TGCTCTGGGGAACATGGAGGAGGACAACTGGAGGTGGCATTTCTACGACACCGTGAAGGG-3'
Protein context (NP_004159.2, residues 99-119): HTVAAQGGIN[Ala109Val]ALGNMEEDNW

ClinVar aggregate classification (germline): Uncertain significance (1 of 4 stars; one submission).

Conditions:
Mitochondrial complex II deficiency, nuclear type 1. Also called: SUCCINATE CoQ REDUCTASE DEFICIENCY. Identifiers: Orphanet 3208, MedGen C5700310, MONDO:0100294, OMIM 252011.
Pheochromocytoma/paraganglioma syndrome 5. Also called: Paragangliomas 5; SDHA-Related Hereditary Paraganglioma-Pheochromocytoma Syndrome. Identifiers: Orphanet 29072, MedGen C3279992, MONDO:0013602, OMIM 614165.

Submission:

Labcorp Genetics (formerly Invitae), Labcorp
Classification: Uncertain significance for Pheochromocytoma/paraganglioma syndrome 5; Mitochondrial complex II deficiency, nuclear type 1. Last evaluated: 2025-12-20. Review status: criteria provided, single submitter. Criteria: Invitae Variant Classification Sherloc (09022015). Collection method: clinical testing. Allele origin: germline.
Comment: This sequence change replaces alanine, which is neutral and non-polar, with valine, which is neutral and non-polar, at codon 109 of the SDHA protein (p.Ala109Val). This variant is not present in population databases (gnomAD no frequency). This variant has not been reported in the literature in individuals affected with SDHA-related conditions. Invitae Evidence Modeling of protein sequence and biophysical properties (such as structural, functional, and spatial information, amino acid conservation, physicochemical variation, residue mobility, and thermodynamic stability) has been performed for this missense variant. However, the output from this modeling did not meet the statistical confidence thresholds required to predict the impact of this variant on SDHA protein function. In summary, the available evidence is currently insufficient to determine the role of this variant in disease. Therefore, it has been classified as a Variant of Uncertain Significance.